The following is an entry in ClinVar:

ClinVar aggregate classification (germline): Uncertain significance. Review status: criteria provided, multiple submitters, no conflicts (2 of 4 stars). 3 submissions from 3 submitters: Uncertain significance (3). Last evaluated 2026-03-03.

Conditions:
Inborn genetic diseases. Identifiers: MedGen C0950123, MeSH D030342.

Allele frequency attached by ClinVar (database versions not stated): gnomAD exomes 0.00003.

Submissions (3):

Women's Health and Genetics/Laboratory Corporation of America, LabCorp
Classification: Uncertain significance. Last evaluated: 2026-03-03. Review status: criteria provided, single submitter. Criteria: LabCorp Variant Classification Summary - May 2015. Collection method: clinical testing. Allele origin: germline.
Comment: Variant summary: CNNM2 c.133G>T (p.Ala45Ser) results in a conservative amino acid change in the encoded protein sequence. Algorithms developed to predict the effect of missense changes on protein structure and function all suggest that this variant is likely to be tolerated. The variant allele was found at a frequency of 6.8e-06 in 147782 control chromosomes. The available data on variant occurrences in the general population are insufficient to allow any conclusion about variant significance. To our knowledge, no occurrence of c.133G>T in individuals affected with CNNM2-related conditions and no experimental evidence demonstrating its impact on protein function have been reported. ClinVar contains an entry for this variant (Variation ID: 2333986). Based on the evidence outlined above, the variant was classified as uncertain significance.

Ambry Genetics
Classification: Uncertain significance for Inborn genetic diseases. Last evaluated: 2022-12-13. Review status: criteria provided, single submitter. Criteria: Ambry Variant Classification Scheme 2023. Collection method: clinical testing. Allele origin: germline.

GeneDx
Classification: Uncertain significance. Last evaluated: 2022-08-04. Review status: criteria provided, single submitter. Criteria: GeneDx Variant Classification Process June 2021. Collection method: clinical testing. Allele origin: germline. Affected: yes.
Comment: Not observed at significant frequency in large population cohorts (gnomAD); In silico analysis supports that this missense variant does not alter protein structure/function; Has not been previously published as pathogenic or benign to our knowledge

NM_017649.5(CNNM2):c.133G>T (p.Ala45Ser)

Gene: CNNM2 (cyclin and CBS domain divalent metal cation transport mediator 2; plus strand). Cytogenetic location: 10q24.32.
Variant type: single nucleotide variant.
Coding change: c.133G>T on transcript NM_017649.5 (MANE Select); coding-DNA position 133, G replaced by T.
Protein change: p.Ala45Ser; replaces alanine 45 with serine.
Molecular consequence: missense variant.
Genome position (GRCh38, 1-based): chr10:102,918,613, G>T. VCF-style: chr10-102918613-G-T. GRCh37 (hg19) VCF-style: chr10-104678370-G-T.
Other names: c.133G>T, p.Ala45Ser (NM_199076.3, NM_199077.3); c.133G>T (NM_017649.4); short protein forms A45S.
Identifiers: ClinVar variation 2333986 (VCV002333986.6), dbSNP rs755515176, ClinGen allele CA5670234.
Genomic context (GRCh38, chr10:102,918,613, plus strand): 5'-TGGAAGATGGCGGCGCGCCGCAGCCTCAGCGCTCGCGGCCGGGGGATCCTGCAGGCGGCT[G>T]CGGGGCGGCTGCTGCCGCTGCTCCTGCTGAGCTGCTGCTGCGGTGCGGGCGGCTGCGCAG-3'
Protein context (NP_060119.3, residues 35-55): ARGRGILQAA[Ala45Ser]GRLLPLLLLS